The following is an entry in ClinVar:

ClinVar aggregate classification (germline): Conflicting classifications of pathogenicity. Review status: criteria provided, conflicting classifications (1 of 4 stars). 2 submissions from 2 submitters: Uncertain significance (1); Benign (1). Last evaluated 2025-11-07.

Conditions:
Brugada syndrome. Also called: Sudden unexplained nocturnal death syndrome; Sudden unexpected nocturnal death syndrome; Sudden Unexplained Death Syndrome; Sudden Unexplained Nocturnal Death Syndrome (SUNDS). Identifiers: Orphanet 130, MedGen C1142166, MONDO:0015263.

Allele frequency attached by ClinVar (database versions not stated): TOPMed 0.00012; gnomAD exomes 0.00015; ExAC 0.00018; 1000 Genomes Project 30x 0.00047; 1000 Genomes Project 0.00060.
gnomAD v4.1: 231 of 1,569,846 alleles (0.015%); highest among the groups gnomAD compares: Middle Eastern, 0.033%; no homozygotes.

Submissions (2):

Labcorp Genetics (formerly Invitae), Labcorp
Classification: Uncertain significance for Brugada syndrome. Last evaluated: 2025-11-07. Review status: criteria provided, single submitter. Criteria: Invitae Variant Classification Sherloc (09022015). Collection method: clinical testing. Allele origin: germline.
Comment: This sequence change falls in intron 6 of the SLMAP gene. It does not directly change the encoded amino acid sequence of the SLMAP protein. It affects a nucleotide within the consensus splice site. This variant is present in population databases (rs200859030, gnomAD 0.03%). This variant has not been reported in the literature in individuals affected with SLMAP-related conditions. ClinVar contains an entry for this variant (Variation ID: 945427). Variants that disrupt the consensus splice site are a relatively common cause of aberrant splicing (PMID: 17576681, 9536098). Algorithms developed to predict the effect of sequence changes on RNA splicing suggest that this variant is not likely to affect RNA splicing. In summary, the available evidence is currently insufficient to determine the role of this variant in disease. Therefore, it has been classified as a Variant of Uncertain Significance.

Women's Health and Genetics/Laboratory Corporation of America, LabCorp
Classification: Benign. Last evaluated: 2024-10-06. Review status: criteria provided, single submitter. Criteria: LabCorp Variant Classification Summary - May 2015. Collection method: clinical testing. Allele origin: germline.

Literature cited by the submitters: PubMed 17576681 (cited by Labcorp Genetics (formerly Invitae), Labcorp); PubMed 9536098 (cited by Labcorp Genetics (formerly Invitae), Labcorp).

NM_001377540.1(SLMAP):c.615+6C>T

Gene: SLMAP (sarcolemma associated protein; plus strand). Cytogenetic location: 3p14.3.
Variant type: single nucleotide variant.
Coding change: c.615+6C>T on transcript NM_001377540.1 (MANE Select); 6 bases into the intron after coding-DNA position 615, C replaced by T.
Molecular consequence: intron variant.
Genome position (GRCh38, 1-based): chr3:57,857,834, C>T. VCF-style: chr3-57857834-C-T. GRCh37 (hg19) VCF-style: chr3-57843561-C-T.
Other names: c.615+6C>T (NM_001377538.1, NM_001377539.1, NM_001377555.1 and 17 more transcripts).
Identifiers: ClinVar variation 945427 (VCV000945427.8), dbSNP rs200859030, ClinGen allele CA2466878.